The following is an entry in ClinVar:

NM_002582.4(PARN):c.1078G>T (p.Val360Phe)

Gene: PARN (poly(A)-specific ribonuclease; minus strand). Cytogenetic location: 16p13.12.
Variant type: single nucleotide variant.
Coding change: c.1078G>T on transcript NM_002582.4 (MANE Select); coding-DNA position 1078, G replaced by T.
Protein change: p.Val360Phe; replaces valine 360 with phenylalanine.
Molecular consequence: missense variant.
Genome position (GRCh38, 1-based): chr16:14,584,350, C>A on the plus strand (G>T on the coding strand, the complement: PARN is on the minus strand). VCF-style: chr16-14584350-C-A. GRCh37 (hg19) VCF-style: chr16-14678207-C-A.
Other names: c.895G>T, p.Val299Phe (NM_001134477.3); c.940G>T, p.Val314Phe (NM_001242992.2); short protein forms V360F, V314F, V299F.
Identifiers: ClinVar variation 2937004 (VCV002937004.3), dbSNP rs1969710831, ClinGen allele CA394802690.

ClinVar aggregate classification (germline): Uncertain significance (1 of 4 stars; one submission).

Conditions:
Dyskeratosis congenita, autosomal recessive 6 (DKCB6). Identifiers: MedGen C4225356, MONDO:0014600, OMIM 616353.
Pulmonary fibrosis and/or bone marrow failure, Telomere-related, 4. Also called: PULMONARY FIBROSIS AND/OR BONE MARROW FAILURE SYNDROME, TELOMERE-RELATED, 4. Identifiers: Orphanet 2032, MedGen C4225347, MONDO:0014612, OMIM 616371.

Submission:

Labcorp Genetics (formerly Invitae), Labcorp
Classification: Uncertain significance for Dyskeratosis congenita, autosomal recessive 6; Pulmonary fibrosis and/or bone marrow failure, Telomere-related, 4. Last evaluated: 2024-01-08. Review status: criteria provided, single submitter. Criteria: Invitae Variant Classification Sherloc (09022015). Collection method: clinical testing. Allele origin: germline.
Comment: This sequence change replaces valine, which is neutral and non-polar, with phenylalanine, which is neutral and non-polar, at codon 360 of the PARN protein (p.Val360Phe). This variant is not present in population databases (gnomAD no frequency). This variant has not been reported in the literature in individuals affected with PARN-related conditions. Advanced modeling of protein sequence and biophysical properties (such as structural, functional, and spatial information, amino acid conservation, physicochemical variation, residue mobility, and thermodynamic stability) performed at Invitae indicates that this missense variant is not expected to disrupt PARN protein function with a negative predictive value of 80%. In summary, the available evidence is currently insufficient to determine the role of this variant in disease. Therefore, it has been classified as a Variant of Uncertain Significance.